The following is an entry in ClinVar:

NM_000548.5(TSC2):c.848+10G>A

Gene: TSC2 (TSC complex subunit 2; plus strand). Cytogenetic location: 16p13.3.
Variant type: single nucleotide variant.
Coding change: c.848+10G>A on transcript NM_000548.5 (MANE Select); 10 bases into the intron after coding-DNA position 848, G replaced by A.
Molecular consequence: intron variant.
Genome position (GRCh38, 1-based): chr16:2,057,188, G>A. VCF-style: chr16-2057188-G-A. GRCh37 (hg19) VCF-style: chr16-2107189-G-A.
Other names: c.848+10G>A (NM_001114382.3, NM_021055.3, NM_001370405.1 and 3 more transcripts); c.737+10G>A (NM_001318827.2); c.248+10G>A (NM_001318831.2); c.701+10G>A (NM_001318829.2); c.881+10G>A (NM_001318832.2).
Identifiers: ClinVar variation 1126406 (VCV001126406.11), dbSNP rs1405925936, ClinGen allele CA620373203.

ClinVar aggregate classification (germline): Likely benign. Review status: criteria provided, multiple submitters, no conflicts (2 of 4 stars). 3 submissions from 3 submitters: Likely benign (3). Last evaluated 2025-08-20.

Conditions:
Tuberous sclerosis 2 (TSC2). Identifiers: Orphanet 805, MedGen C1860707, MONDO:0013199, OMIM 613254.
Lymphangiomyomatosis (LAM). Also called: Lymphangioleiomyomatosis; Lymphangioleiomyomatosis, somatic. Identifiers: Orphanet 538, MedGen C0751674, MONDO:0011705, OMIM 606690.
Isolated focal cortical dysplasia type II (FCORD2). Also called: Focal cortical dysplasia type II; CORTICAL DYSPLASIA OF TAYLOR. Identifiers: Orphanet 268994, MedGen C1846385, MONDO:0011818, OMIM 607341, HP:0032051.

Allele frequency attached by ClinVar (database versions not stated): gnomAD exomes below 0.00001 and 0.00001; gnomAD 0.00001.
gnomAD v4.1: 6 of 1,551,548 alleles (0.00039%); highest among the groups gnomAD compares: South Asian, 0.0059%; no homozygotes.

Submissions (3):

Labcorp Genetics (formerly Invitae), Labcorp
Classification: Likely benign for Tuberous sclerosis 2. Last evaluated: 2025-08-20. Review status: criteria provided, single submitter. Criteria: Invitae Variant Classification Sherloc (09022015). Collection method: clinical testing. Allele origin: germline.

Myriad Genetics, Inc.
Classification: Likely benign for Tuberous sclerosis 2. Last evaluated: 2025-05-12. Review status: criteria provided, single submitter. Criteria: Myriad Autosomal Dominant, Autosomal Recessive and X-Linked Classification Criteria (2023). Collection method: clinical testing. Allele origin: unknown.
Comment: This variant is considered likely benign. This variant is intronic and is not expected to impact mRNA splicing.

Fulgent Genetics
Classification: Likely benign for Lymphangiomyomatosis; Isolated focal cortical dysplasia type II; Tuberous sclerosis 2. Last evaluated: 2022-04-13. Review status: criteria provided, single submitter. Criteria: ACMG Guidelines, 2015. Collection method: clinical testing. Allele origin: unknown.